The following is an entry in ClinVar:

NC_000017.11:g.(?_43063333)_(43063951_?)del

Gene: BRCA1 (BRCA1 DNA repair associated; minus strand). Cytogenetic location: 17q21.31.
Variant type: Deletion.
Identifiers: ClinVar variation 417598 (VCV000417598.1).

ClinVar aggregate classification (germline): Pathogenic (1 of 4 stars; one submission).

Conditions:
Hereditary breast ovarian cancer syndrome. Also called: Breast and ovarian cancer; Hereditary breast and ovarian cancer; Hereditary breast and/or ovarian cancer syndrome; BRCA1- and BRCA2-Associated Hereditary Breast and Ovarian Cancer; Hereditary breast and ovarian cancer syndrome (HBOC); Hereditary breast and ovarian cancer syndrome. Identifiers: Orphanet 145, MedGen C0677776, MeSH D061325, MONDO:0003582. Disease mechanism: loss of function.

Submission:

Labcorp Genetics (formerly Invitae), Labcorp
Classification: Pathogenic for Hereditary breast ovarian cancer syndrome. Last evaluated: 2016-11-29. Review status: criteria provided, single submitter. Criteria: Invitae Variant Classification Sherloc (09022015). Collection method: clinical testing. Allele origin: germline.
Comment: This variant is a gross deletion of the genomic region encompassing exons 17-18 of the BRCA1 gene. This creates a premature translational stop signal and is expected to result in an absent or disrupted protein product. Gross deletions in BRCA1 are known to be pathogenic. A similar deletion encompassing exon 17-18 has been reported in the literature in patients and families affected with breast and ovarian cancer (PMID: 12700174, 17333342, 17561994, 18431737). Deletion of exons 17-18 is also known as deletion of exons 18-19 in the literature. For these reasons, this variant has been classified as Pathogenic.